The following is an entry in ClinVar:

ClinVar aggregate classification (germline): Conflicting classifications of pathogenicity. Review status: criteria provided, conflicting classifications (1 of 4 stars). 3 submissions from 3 submitters: Likely pathogenic (1); Uncertain significance (2). Last evaluated 2023-10-01.

Conditions:
Retinal dystrophy. Also called: Inherited retinal dystrophy. Identifiers: Orphanet 71862, MedGen C0854723, MeSH D058499, MONDO:0019118, HP:0000556.

Submissions (3):

Dept Of Ophthalmology, Nagoya University
Classification: Likely pathogenic for Retinal dystrophy. Last evaluated: 2023-10-01. Review status: criteria provided, single submitter. Criteria: Submitter's publication. Collection method: research. Allele origin: germline. Affected: yes.

Blueprint Genetics
Classification: Uncertain significance. Last evaluated: 2023-07-21. Review status: criteria provided, single submitter. Criteria: ACMG Guidelines, 2015. Collection method: clinical testing. Allele origin: germline.

Labcorp Genetics (formerly Invitae), Labcorp
Classification: Uncertain significance. Last evaluated: 2022-02-10. Review status: criteria provided, single submitter. Criteria: Invitae Variant Classification Sherloc (09022015). Collection method: clinical testing. Allele origin: germline.
Comment: In summary, the available evidence is currently insufficient to determine the role of this variant in disease. Therefore, it has been classified as a Variant of Uncertain Significance. Algorithms developed to predict the effect of missense changes on protein structure and function are either unavailable or do not agree on the potential impact of this missense change (SIFT: "Tolerated"; PolyPhen-2: "Possibly Damaging"; Align-GVGD: "Class C0"). ClinVar contains an entry for this variant (Variation ID: 957196). This variant has not been reported in the literature in individuals affected with PDE6B-related conditions. This variant is not present in population databases (gnomAD no frequency). This sequence change replaces asparagine, which is neutral and polar, with aspartic acid, which is acidic and polar, at codon 356 of the PDE6B protein (p.Asn356Asp).

NM_000283.4(PDE6B):c.1066A>G (p.Asn356Asp)

Gene: PDE6B (phosphodiesterase 6B; plus strand). Cytogenetic location: 4p16.3.
Variant type: single nucleotide variant.
Coding change: c.1066A>G on transcript NM_000283.4 (MANE Select); coding-DNA position 1066, A replaced by G.
Protein change: p.Asn356Asp; replaces asparagine 356 with aspartic acid.
Molecular consequence: missense variant. On other transcripts: intron variant (1).
Genome position (GRCh38, 1-based): chr4:656,251, A>G. VCF-style: chr4-656251-A-G. GRCh37 (hg19) VCF-style: chr4-650040-A-G.
Other names: c.1066A>G, p.Asn356Asp (NM_001145291.2); c.229A>G, p.Asn77Asp (NM_001145292.2, NM_001350154.3, NM_001379246.1 and 1 more transcripts); c.-48-623A>G (NM_001350155.3); short protein forms N77D, N356D.
Identifiers: ClinVar variation 957196 (VCV000957196.11), dbSNP rs1736225856, ClinGen allele CA355912851.